The following is an entry in ClinVar:

NM_000051.4(ATM):c.2088A>G (p.Gly696=)

Gene: ATM (ATM serine/threonine kinase; plus strand). Cytogenetic location: 11q22.3.
Variant type: single nucleotide variant.
Coding change: c.2088A>G on transcript NM_000051.4 (MANE Select); coding-DNA position 2088, A replaced by G.
Protein change: p.Gly696=; no amino-acid change (glycine 696 retained).
Molecular consequence: synonymous variant.
Genome position (GRCh38, 1-based): chr11:108,254,003, A>G. VCF-style: chr11-108254003-A-G. GRCh37 (hg19) VCF-style: chr11-108124730-A-G.
Other names: c.2088A>G, p.Gly696= (NM_001351834.2).
Identifiers: ClinVar variation 482707 (VCV000482707.13), dbSNP rs1555073469, ClinGen allele CA476672450.
Genomic context (GRCh38, chr11:108,254,003, plus strand): 5'-CAGTATTGGCTTCTCTGTCCACCAGAATCTCAAGGAATCACTGGATCGCTGTCTTCTGGG[A>G]TTATCAGAACAGCTTCTGAATAATTACTCATCTGAGGTGAGATTTTTTAAAAAAAGAACT-3'
Protein context (NP_000042.3, residues 686-706): LKESLDRCLL[Gly696=]LSEQLLNNYS

ClinVar aggregate classification (germline): Benign/Likely benign. Review status: criteria provided, multiple submitters, no conflicts (2 of 4 stars). 3 submissions from 3 submitters: Benign (1); Likely benign (2). Last evaluated 2024-05-07.

Conditions:
Hereditary cancer-predisposing syndrome. Also called: Hereditary neoplastic syndrome; Neoplastic Syndromes, Hereditary; Tumor predisposition; Hereditary Cancer Syndrome. Identifiers: Orphanet 140162, MedGen C0027672, MeSH D009386, MONDO:0015356.
Familial cancer of breast. Also called: BREAST CANCER, FAMILIAL; Hereditary breast cancer; hereditary breast carcinoma. Identifiers: Orphanet 227535, MedGen C0346153, MONDO:0016419, OMIM 114480. Disease mechanism: loss of function.
Ataxia-telangiectasia syndrome (AT). Also called: LOUIS-BAR SYNDROME; Cerebello-oculocutaneous telangiectasia; Immunodeficiency with ataxia telangiectasia; AT, COMPLEMENTATION GROUP C; Ataxia-telangiectasia, complementation group D; ATAXIA-TELANGIECTASIA, COMPLEMENTATION GROUP A. Identifiers: Orphanet 100, MedGen C0004135, MONDO:0008840, OMIM 208900.

Allele frequency attached by ClinVar (database versions not stated): gnomAD 0.00001.
gnomAD v4.1: 1 of 1,613,852 alleles (0.000062%); no homozygotes.

Submissions (3):

Myriad Genetics, Inc.
Classification: Benign for Familial cancer of breast. Last evaluated: 2024-05-07. Review status: criteria provided, single submitter. Criteria: Myriad Autosomal Dominant, Autosomal Recessive and X-Linked Classification Criteria (2023). Collection method: clinical testing. Allele origin: unknown.
Comment: This variant is considered benign. This variant is a silent/synonymous amino acid change and it is not expected to impact splicing.

Labcorp Genetics (formerly Invitae), Labcorp
Classification: Likely benign for Ataxia-telangiectasia syndrome. Last evaluated: 2023-01-25. Review status: criteria provided, single submitter. Criteria: Invitae Variant Classification Sherloc (09022015). Collection method: clinical testing. Allele origin: germline.

Ambry Genetics
Classification: Likely benign for Hereditary cancer-predisposing syndrome. Last evaluated: 2017-04-17. Review status: criteria provided, single submitter. Criteria: Ambry Variant Classification Scheme 2023. Collection method: clinical testing. Allele origin: germline.